The following is an entry in ClinVar:

NM_199420.4(POLQ):c.2114G>A (p.Arg705Lys)

Gene: POLQ (DNA polymerase theta; minus strand). Cytogenetic location: 3q13.33.
Variant type: single nucleotide variant.
Coding change: c.2114G>A on transcript NM_199420.4 (MANE Select); coding-DNA position 2114, G replaced by A.
Protein change: p.Arg705Lys; replaces arginine 705 with lysine.
Molecular consequence: missense variant.
Genome position (GRCh38, 1-based): chr3:121,498,516, C>T on the plus strand (G>A on the coding strand, the complement: POLQ is on the minus strand). VCF-style: chr3-121498516-C-T. GRCh37 (hg19) VCF-style: chr3-121217363-C-T.
Other names: short protein forms R705K.
Identifiers: ClinVar variation 1786156 (VCV001786156.2), dbSNP rs2546794677, ClinGen allele CA354109879.
Genomic context (GRCh38, chr3:121,498,516, plus strand): 5'-CCCAGAGACCTTGACGTTTACCTTTTATGGATGGCCATTTGTCGATGCTGTCTCTCAGTT[C>T]TGGCTACTACTTTTCCTTTCACACAACGGGCCAAGAACCCCTCTTCAACTCCCACTAGCT-3'
Protein context (NP_955452.3, residues 695-715): ARCVKGKVVA[Arg705Lys]TERQHRQMAI

ClinVar aggregate classification (germline): Uncertain significance (1 of 4 stars; one submission).

Submission:

Ambry Genetics
Classification: Uncertain significance. Last evaluated: 2021-08-23. Review status: criteria provided, single submitter. Criteria: Ambry Variant Classification Scheme 2023. Collection method: clinical testing. Allele origin: germline.
Comment: The p.R705K variant (also known as c.2114G>A), located in coding exon 13 of the POLQ gene, results from a G to A substitution at nucleotide position 2114. The arginine at codon 705 is replaced by lysine, an amino acid with highly similar properties. This amino acid position is conserved. In addition, this alteration is predicted to be tolerated by in silico analysis. Since supporting evidence is limited at this time, the clinical significance of this alteration remains unclear.